The following is an entry in ClinVar:

ClinVar aggregate classification (germline): Uncertain significance (1 of 4 stars; one submission).

Submission:

Labcorp Genetics (formerly Invitae), Labcorp
Classification: Uncertain significance. Last evaluated: 2025-03-24. Review status: criteria provided, single submitter. Criteria: Invitae Variant Classification Sherloc (09022015). Collection method: clinical testing. Allele origin: germline.
Comment: This sequence change replaces alanine, which is neutral and non-polar, with glycine, which is neutral and non-polar, at codon 223 of the C9 protein (p.Ala223Gly). This variant is not present in population databases (gnomAD no frequency). This variant has not been reported in the literature in individuals affected with C9-related conditions. Invitae Evidence Modeling of protein sequence and biophysical properties (such as structural, functional, and spatial information, amino acid conservation, physicochemical variation, residue mobility, and thermodynamic stability) indicates that this missense variant is expected to disrupt C9 protein function with a positive predictive value of 80%. In summary, the available evidence is currently insufficient to determine the role of this variant in disease. Therefore, it has been classified as a Variant of Uncertain Significance.

NM_001737.5(C9):c.668C>G (p.Ala223Gly)

Gene: C9 (complement C9; minus strand). Cytogenetic location: 5p13.1.
Variant type: single nucleotide variant.
Coding change: c.668C>G on transcript NM_001737.5 (MANE Select); coding-DNA position 668, C replaced by G.
Protein change: p.Ala223Gly; replaces alanine 223 with glycine.
Molecular consequence: missense variant.
Genome position (GRCh38, 1-based): chr5:39,315,977, G>C on the plus strand (C>G on the coding strand, the complement: C9 is on the minus strand). VCF-style: chr5-39315977-G-C. GRCh37 (hg19) VCF-style: chr5-39316079-G-C.
Other names: short protein forms A223G.
Identifiers: ClinVar variation 4767696 (VCV004767696.1).
Genomic context (GRCh38, chr5:39,315,977, plus strand): 5'-AATTTTAGAGATATAGCTGCATTAAAATTTGATGTCTTCTCTTGGATGATACTTTTAAAT[G>C]CTTCAATTTGTTCTTCGTAATGTTCGGTTCTGAAATTTTTCTCGCCTTTGGTCTAAAAGA-3'
Protein context (NP_001728.1, residues 213-233): RTEHYEEQIE[Ala223Gly]FKSIIQEKTS